The following is an entry in ClinVar:

ClinVar aggregate classification (germline): Conflicting classifications of pathogenicity. Review status: criteria provided, conflicting classifications (1 of 4 stars). 3 submissions from 3 submitters: Uncertain significance (1); Likely benign (2). Last evaluated 2024-11-13.

Conditions:
Inborn genetic diseases. Identifiers: MedGen C0950123, MeSH D030342.

Allele frequency attached by ClinVar (database versions not stated): gnomAD 0.00011; gnomAD exomes 0.00015; ExAC 0.00016; TOPMed 0.00022.
gnomAD v4.1: 233 of 1,613,980 alleles (0.014%); highest among the groups gnomAD compares: Middle Eastern, 0.13%; no homozygotes.

Submissions (3):

Blueprint Genetics
Classification: Likely benign. Last evaluated: 2024-11-13. Review status: criteria provided, single submitter. Criteria: ACMG Guidelines, 2015. Collection method: clinical testing. Allele origin: germline.

Labcorp Genetics (formerly Invitae), Labcorp
Classification: Uncertain significance. Last evaluated: 2022-05-19. Review status: criteria provided, single submitter. Criteria: Invitae Variant Classification Sherloc (09022015). Collection method: clinical testing. Allele origin: germline.
Comment: This sequence change replaces valine, which is neutral and non-polar, with isoleucine, which is neutral and non-polar, at codon 1786 of the TRPM6 protein (p.Val1786Ile). This variant is present in population databases (rs142946646, gnomAD 0.03%). This variant has not been reported in the literature in individuals affected with TRPM6-related conditions. Algorithms developed to predict the effect of missense changes on protein structure and function output the following: SIFT: "Tolerated"; PolyPhen-2: "Benign"; Align-GVGD: "Class C0". The isoleucine amino acid residue is found in multiple mammalian species, which suggests that this missense change does not adversely affect protein function. In summary, the available evidence is currently insufficient to determine the role of this variant in disease. Therefore, it has been classified as a Variant of Uncertain Significance.

Ambry Genetics
Classification: Likely benign for Inborn genetic diseases. Last evaluated: 2022-02-11. Review status: criteria provided, single submitter. Criteria: Ambry Variant Classification Scheme 2023. Collection method: clinical testing. Allele origin: germline.

NM_017662.5(TRPM6):c.5356G>A (p.Val1786Ile)

Gene: TRPM6 (transient receptor potential cation channel subfamily M member 6; minus strand). Cytogenetic location: 9q21.13.
Variant type: single nucleotide variant.
Coding change: c.5356G>A on transcript NM_017662.5 (MANE Select); coding-DNA position 5356, G replaced by A.
Protein change: p.Val1786Ile; replaces valine 1786 with isoleucine.
Molecular consequence: missense variant.
Genome position (GRCh38, 1-based): chr9:74,739,854, C>T on the plus strand (G>A on the coding strand, the complement: TRPM6 is on the minus strand). VCF-style: chr9-74739854-C-T. GRCh37 (hg19) VCF-style: chr9-77354770-C-T.
Other names: c.5341G>A, p.Val1781Ile (NM_001177310.2, NM_001177311.2); c.5356G>A (NM_017662.4); short protein forms V1781I, V1786I.
Identifiers: ClinVar variation 2160450 (VCV002160450.3), dbSNP rs142946646, ClinGen allele CA5083823.